The following is an entry in ClinVar:

ClinVar aggregate classification (germline): Uncertain significance (1 of 4 stars; one submission).

Conditions:
Cardiovascular phenotype. Identifiers: MedGen CN230736.

Allele frequency attached by ClinVar (database versions not stated): gnomAD exomes below 0.00001.

Submission:

Ambry Genetics
Classification: Uncertain significance for Cardiovascular phenotype. Last evaluated: 2023-11-21. Review status: criteria provided, single submitter. Criteria: Ambry Variant Classification Scheme 2023. Collection method: clinical testing. Allele origin: germline.
Comment: The p.L695M variant (also known as c.2083C>A), located in coding exon 16 of the MYH6 gene, results from a C to A substitution at nucleotide position 2083. The leucine at codon 695 is replaced by methionine, an amino acid with highly similar properties. This amino acid position is conserved. In addition, this alteration is predicted to be deleterious by in silico analysis. Since supporting evidence is limited at this time, the clinical significance of this alteration remains unclear.

NM_002471.4(MYH6):c.2083C>A (p.Leu695Met)

Gene: MYH6 (myosin heavy chain 6; minus strand). Cytogenetic location: 14q11.2.
Variant type: single nucleotide variant.
Coding change: c.2083C>A on transcript NM_002471.4 (MANE Select); coding-DNA position 2083, C replaced by A.
Protein change: p.Leu695Met; replaces leucine 695 with methionine.
Molecular consequence: missense variant.
Genome position (GRCh38, 1-based): chr14:23,397,048, G>T on the plus strand (C>A on the coding strand, the complement: MYH6 is on the minus strand). VCF-style: chr14-23397048-G-T. GRCh37 (hg19) VCF-style: chr14-23866257-G-T.
Other names: short protein forms L695M.
Identifiers: ClinVar variation 3222327 (VCV003222327.1), dbSNP rs2502179718, ClinGen allele CA389018919.